The following is an entry in ClinVar:

ClinVar aggregate classification (germline): Uncertain significance. Review status: criteria provided, multiple submitters, no conflicts (2 of 4 stars). 7 submissions from 7 submitters: Uncertain significance (6). 1 of the submissions does not count toward it. Last evaluated 2026-07-22.

Conditions:
RYR2-related disorder. Also called: RYR2-related condition.
Catecholaminergic polymorphic ventricular tachycardia (CVPT). Also called: Catecholamine-induced polymorphic ventricular tachycardia. Identifiers: Orphanet 3286, MedGen C5574922, MONDO:0017990.
Cardiovascular phenotype. Identifiers: MedGen CN230736.
Cardiomyopathy (CMYO). Also called: Cardiomyopathies. Identifiers: Orphanet 167848, MedGen C0878544, MONDO:0004994, HP:0001638. Inheritance: Various modes of inheritance.
Catecholaminergic polymorphic ventricular tachycardia 1. Also called: VENTRICULAR TACHYCARDIA, CATECHOLAMINERGIC POLYMORPHIC, 1, WITH OR WITHOUT ATRIAL DYSFUNCTION AND/OR DILATED CARDIOMYOPATHY; RYR2-Related Catecholaminergic Polymorphic Ventricular Tachycardia; VENTRICULAR TACHYCARDIA, STRESS-INDUCED POLYMORPHIC 1. Identifiers: Orphanet 3286, MedGen C1631597, MONDO:0011484, OMIM 604772.

Allele frequency attached by ClinVar (database versions not stated): gnomAD 0.00001; gnomAD exomes 0.00002 and 0.00001; 1000 Genomes Project 30x 0.00016; ExAC 0.00001; TOPMed 0.00002.
gnomAD v4.1: 19 of 1,613,820 alleles (0.0012%); highest among the groups gnomAD compares: Admixed American, 0.0083%; no homozygotes.

Submissions (7):

GeneDx
Classification: Uncertain significance. Last evaluated: 2026-07-22. Review status: criteria provided, single submitter. Criteria: GeneDx Variant Classification Process June 2021. Collection method: clinical testing. Allele origin: germline.
Comment: Not observed at significant frequency in large population cohorts (gnomAD); In silico analysis supports that this missense variant has a deleterious effect on protein structure/function; Located in one of the three hot-spot regions of the RYR2 gene, where the majority of pathogenic missense variants occur (PMID: 19926015); Has not been previously published as pathogenic or benign in association with an RYR2-related disorder to our knowledge; This variant is associated with the following publications: (PMID: 39020067, 19926015)

Labcorp Genetics (formerly Invitae), Labcorp
Classification: Uncertain significance for Catecholaminergic polymorphic ventricular tachycardia 1. Last evaluated: 2025-06-17. Review status: criteria provided, single submitter. Criteria: Invitae Variant Classification Sherloc (09022015). Collection method: clinical testing. Allele origin: germline.
Comment: This sequence change replaces arginine, which is basic and polar, with histidine, which is basic and polar, at codon 298 of the RYR2 protein (p.Arg298His). This variant is present in population databases (rs754259295, gnomAD 0.009%). This variant has not been reported in the literature in individuals affected with RYR2-related conditions. ClinVar contains an entry for this variant (Variation ID: 201205). Invitae Evidence Modeling of protein sequence and biophysical properties (such as structural, functional, and spatial information, amino acid conservation, physicochemical variation, residue mobility, and thermodynamic stability) indicates that this missense variant is expected to disrupt RYR2 protein function with a positive predictive value of 95%. In summary, the available evidence is currently insufficient to determine the role of this variant in disease. Therefore, it has been classified as a Variant of Uncertain Significance.

All of Us Research Program, National Institutes of Health
Classification: Uncertain significance for Catecholaminergic polymorphic ventricular tachycardia. Last evaluated: 2023-10-30. Review status: criteria provided, single submitter. Criteria: ACMG Guidelines, 2015. Collection method: clinical testing. Allele origin: germline. Inheritance: Autosomal dominant inheritance. Observed: 3 variant alleles, 3 heterozygotes.
Comment: This missense variant replaces arginine with histidine at codon 298 of the RYR2 protein. Computational prediction suggests that this variant may have deleterious impact on protein structure and function (internally defined REVEL score threshold >= 0.7, PMID: 27666373). To our knowledge, functional studies have not been reported for this variant. This variant has not been reported in individuals affected with cardiovascular disorders in the literature. This variant has been identified in 5/280366 chromosomes in the general population by the Genome Aggregation Database (gnomAD). The available evidence is insufficient to determine the role of this variant in disease conclusively. Therefore, this variant is classified as a Variant of Uncertain Significance.

This study involves interpretation of variants in research participants for the purpose of population health screening. Participant phenotype was not available at the time of variant classification. Additional details can be found in publication PMID: 35346344, PMCID: PMC8962531

Color Diagnostics, LLC DBA Color Health
Classification: Uncertain significance for Cardiomyopathy. Last evaluated: 2023-09-21. Review status: criteria provided, single submitter. Criteria: ACMG Guidelines, 2015. Collection method: clinical testing. Allele origin: germline.
Comment: This missense variant replaces arginine with histidine at codon 298 of the RYR2 protein. Computational prediction suggests that this variant may have deleterious impact on protein structure and function (internally defined REVEL score threshold >= 0.7, PMID: 27666373). To our knowledge, functional studies have not been reported for this variant. This variant has not been reported in individuals affected with RYR2-related disorders in the literature. This variant has been identified in 5/280366 chromosomes in the general population by the Genome Aggregation Database (gnomAD). The available evidence is insufficient to determine the role of this variant in disease conclusively. Therefore, this variant is classified as a Variant of Uncertain Significance.

Mayo Clinic Laboratories, Mayo Clinic
Classification: Uncertain significance. Last evaluated: 2023-01-12. Review status: criteria provided, single submitter. Criteria: ACMG Guidelines, 2015. Collection method: clinical testing. Allele origin: germline. Observed: 1 variant allele.
Comment: PP3

Ambry Genetics
Classification: Uncertain significance for Cardiovascular phenotype. Last evaluated: 2021-04-20. Review status: criteria provided, single submitter. Criteria: Ambry Variant Classification Scheme 2023. Collection method: clinical testing. Allele origin: germline.
Comment: The p.R298H variant (also known as c.893G>A), located in coding exon 12 of the RYR2 gene, results from a G to A substitution at nucleotide position 893. The arginine at codon 298 is replaced by histidine, an amino acid with highly similar properties. This amino acid position is highly conserved in available vertebrate species. In addition, the in silico prediction for this alteration is inconclusive. Since supporting evidence is limited at this time, the clinical significance of this alteration remains unclear.

PreventionGenetics, part of Exact Sciences
Classification: Uncertain significance for RYR2-related condition. Last evaluated: 2024-05-13. Review status: no assertion criteria provided. Collection method: clinical testing. Allele origin: germline. Not counted in ClinVar's aggregate classification.
Comment: The RYR2 c.893G>A variant is predicted to result in the amino acid substitution p.Arg298His. To our knowledge, this variant has not been reported in the literature. This variant is reported in 0.0085% of alleles in individuals of Latino descent in gnomAD. At this time, the clinical significance of this variant is uncertain due to the absence of conclusive functional and genetic evidence.

NM_001035.3(RYR2):c.893G>A (p.Arg298His)

Gene: RYR2 (ryanodine receptor 2; plus strand). Cytogenetic location: 1q43.
Variant type: single nucleotide variant.
Coding change: c.893G>A on transcript NM_001035.3 (MANE Select); coding-DNA position 893, G replaced by A.
Protein change: p.Arg298His; replaces arginine 298 with histidine.
Molecular consequence: missense variant.
Genome position (GRCh38, 1-based): chr1:237,423,136, G>A. VCF-style: chr1-237423136-G-A. GRCh37 (hg19) VCF-style: chr1-237586436-G-A.
Other names: p.R298H:CGC>CAC; p.Arg298His; c.893G>A, p.Arg298His (LRG_402t1); short protein forms R298H.
Identifiers: ClinVar variation 201205 (VCV000201205.22), dbSNP rs754259295, ClinGen allele CA011092.